The following is an entry in ClinVar:

NM_003872.3(NRP2):c.2124C>T (p.His708=)

Gene: NRP2 (neuropilin 2; plus strand). Cytogenetic location: 2q33.3.
Variant type: single nucleotide variant.
Coding change: c.2124C>T on transcript NM_003872.3 (MANE Select); coding-DNA position 2124, C replaced by T.
Protein change: p.His708=; no amino-acid change (histidine 708 retained).
Molecular consequence: synonymous variant.
Genome position (GRCh38, 1-based): chr2:205,763,753, C>T. VCF-style: chr2-205763753-C-T. GRCh37 (hg19) VCF-style: chr2-206628477-C-T.
Other names: c.2124C>T, p.His708= (NM_018534.4, NM_201266.2, NM_201267.2 and 1 more transcripts).
Identifiers: ClinVar variation 3034918 (VCV003034918.3), dbSNP rs780901770, ClinGen allele CA2069327.
Genomic context (GRCh38, chr2:205,763,753, plus strand): 5'-GCTGCAGAGTGACAGCCAGAGAGAGGGCCAGTATGCCCGGCTCATCAGCCCCCCTGTCCA[C>T]CTGCCCCGAAGCCCGGTGTGCATGGAGTTCCAGTACCAGGCCACGGGCGGCCGCGGGGTG-3'
Protein context (NP_003863.2, residues 698-718): QYARLISPPV[His708=]LPRSPVCMEF

ClinVar aggregate classification (germline): Likely benign. Review status: criteria provided, single submitter (1 of 4 stars). 2 submissions from 2 submitters: Likely benign (1). 1 of the submissions does not count toward it.

Conditions:
NRP2-related disorder. Also called: NRP2-related condition.

Allele frequency attached by ClinVar (database versions not stated): gnomAD exomes below 0.00001; ExAC 0.00001; gnomAD 0.00001.

Submissions (2):

Breakthrough Genomics
Classification: Likely benign. Review status: criteria provided, single submitter. Criteria: ACMG Guidelines, 2015. Collection method: not provided. Allele origin: germline. Inheritance: Unknown mechanism. Affected: yes.

PreventionGenetics, part of Exact Sciences
Classification: Likely benign for NRP2-related condition. Last evaluated: 2021-12-23. Review status: no assertion criteria provided. Collection method: clinical testing. Allele origin: germline. Not counted in ClinVar's aggregate classification.
Comment: This variant is classified as likely benign based on ACMG/AMP sequence variant interpretation guidelines (Richards et al. 2015 PMID: 25741868, with internal and published modifications).